The following is an entry in ClinVar:

ClinVar aggregate classification (germline): Uncertain significance (1 of 4 stars; one submission).

Conditions:
Inborn genetic diseases. Identifiers: MedGen C0950123, MeSH D030342.

Submission:

Ambry Genetics
Classification: Uncertain significance for Inborn genetic diseases. Last evaluated: 2017-03-10. Review status: criteria provided, single submitter. Criteria: Ambry Variant Classification Scheme 2023. Collection method: clinical testing. Allele origin: germline.
Comment: The p.F395V variant (also known as c.1183T>G), located in coding exon 9 of the ATRX gene, results from a T to G substitution at nucleotide position 1183. The phenylalanine at codon 395 is replaced by valine, an amino acid with highly similar properties. This amino acid position is highly conserved in available vertebrate species. In addition, this alteration is predicted to be deleterious by in silico analysis. Since supporting evidence is limited at this time, the clinical significance of this alteration remains unclear.

NM_000489.6(ATRX):c.1183T>G (p.Phe395Val)

Gene: ATRX (ATRX chromatin remodeler; minus strand). Cytogenetic location: Xq21.1.
Variant type: single nucleotide variant.
Coding change: c.1183T>G on transcript NM_000489.6 (MANE Select); coding-DNA position 1183, T replaced by G.
Protein change: p.Phe395Val; replaces phenylalanine 395 with valine.
Molecular consequence: missense variant.
Genome position (GRCh38, 1-based): chrX:77,684,073, A>C on the plus strand (T>G on the coding strand, the complement: ATRX is on the minus strand). VCF-style: chrX-77684073-A-C. GRCh37 (hg19) VCF-style: chrX-76939565-A-C.
Other names: c.1069T>G, p.Phe357Val (NM_138270.5); short protein forms F395V, F357V.
Identifiers: ClinVar variation 588882 (VCV000588882.5), dbSNP rs1569539366, ClinGen allele CA413719177.